The following is an entry in ClinVar:

ClinVar aggregate classification (germline): Likely pathogenic (1 of 4 stars; one submission).

Submission:

Labcorp Genetics (formerly Invitae), Labcorp
Classification: Likely pathogenic. Last evaluated: 2024-10-29. Review status: criteria provided, single submitter. Criteria: Invitae Variant Classification Sherloc (09022015). Collection method: clinical testing. Allele origin: germline.
Comment: This sequence change affects a donor splice site in intron 1 of the POLR3B gene. It is expected to disrupt RNA splicing. Variants that disrupt the donor or acceptor splice site typically lead to a loss of protein function (PMID: 16199547), and loss-of-function variants in POLR3B are known to be pathogenic (PMID: 25339210). This variant is not present in population databases (gnomAD no frequency). This variant has not been reported in the literature in individuals affected with POLR3B-related conditions. Algorithms developed to predict the effect of sequence changes on RNA splicing suggest that this variant may disrupt the consensus splice site. In summary, the currently available evidence indicates that the variant is pathogenic, but additional data are needed to prove that conclusively. Therefore, this variant has been classified as Likely Pathogenic.

Literature cited by the submitters: PubMed 16199547; PubMed 25339210.

NM_018082.6(POLR3B):c.72+2T>G

Gene: POLR3B (RNA polymerase III subunit B; plus strand). Cytogenetic location: 12q23.3.
Variant type: single nucleotide variant.
Coding change: c.72+2T>G on transcript NM_018082.6 (MANE Select); the canonical splice donor site of the intron after coding-DNA position 72, T replaced by G.
Molecular consequence: splice donor variant.
Genome position (GRCh38, 1-based): chr12:106,357,953, T>G. VCF-style: chr12-106357953-T-G. GRCh37 (hg19) VCF-style: chr12-106751731-T-G.
Identifiers: ClinVar variation 3720019 (VCV003720019.2).